The following is an entry in ClinVar:

NM_000053.4(ATP7B):c.2375T>C (p.Leu792Pro)

Gene: ATP7B (ATPase copper transporting beta; minus strand). Cytogenetic location: 13q14.3.
Variant type: single nucleotide variant.
Coding change: c.2375T>C on transcript NM_000053.4 (MANE Select); coding-DNA position 2375, T replaced by C.
Protein change: p.Leu792Pro; replaces leucine 792 with proline.
Molecular consequence: missense variant.
Genome position (GRCh38, 1-based): chr13:51,957,588, A>G on the plus strand (T>C on the coding strand, the complement: ATP7B is on the minus strand). VCF-style: chr13-51957588-A-G. GRCh37 (hg19) VCF-style: chr13-52531724-A-G.
Other names: c.1889T>C, p.Leu630Pro (NM_001005918.3); c.2042T>C, p.Leu681Pro (NM_001243182.2); c.2141T>C, p.Leu714Pro (NM_001330578.2); c.2123T>C, p.Leu708Pro (NM_001330579.2); short protein forms L630P, L681P, L708P, L714P, L792P.
Identifiers: ClinVar variation 811753 (VCV000811753.10), dbSNP rs1593722897, ClinGen allele CA388020381.
Genomic context (GRCh38, chr13:51,957,588, plus strand): 5'-TTGTCCTCACCAAGGGTCACAACGGTGGCTTCTGTGGCTTGGAGAGACATGAGTTTAGCC[A>G]GGGCTTCTGAGGTTTTGCTCTAGGAAATAACCAGAATGTGAAATGAGAGCTATCGAAAGC-3'
Protein context (NP_000044.2, residues 782-802): HLAKSKTSEA[Leu792Pro]AKLMSLQATE

ClinVar aggregate classification (germline): Conflicting classifications of pathogenicity. Review status: criteria provided, conflicting classifications (1 of 4 stars). 2 submissions from 2 submitters: Pathogenic (1); Uncertain significance (1). Last evaluated 2025-03-17.

Conditions:
Wilson disease (WND). Also called: Wilson's disease. Identifiers: Orphanet 905, MedGen C0019202, MONDO:0010200, OMIM 277900. Disease mechanism: loss of function.

Submissions (2):

Labcorp Genetics (formerly Invitae), Labcorp
Classification: Pathogenic for Wilson disease. Last evaluated: 2025-03-17. Review status: criteria provided, single submitter. Criteria: Invitae Variant Classification Sherloc (09022015). Collection method: clinical testing. Allele origin: germline.
Comment: This sequence change replaces leucine, which is neutral and non-polar, with proline, which is neutral and non-polar, at codon 792 of the ATP7B protein (p.Leu792Pro). This variant is not present in population databases (gnomAD no frequency). This missense change has been observed in individual(s) with clinical features of Wilson disease (PMID: 35220961, 35782615; internal data). In at least one individual the data is consistent with being in trans (on the opposite chromosome) from a pathogenic variant. ClinVar contains an entry for this variant (Variation ID: 811753). Invitae Evidence Modeling of protein sequence and biophysical properties (such as structural, functional, and spatial information, amino acid conservation, physicochemical variation, residue mobility, and thermodynamic stability) indicates that this missense variant is expected to disrupt ATP7B protein function with a positive predictive value of 80%. For these reasons, this variant has been classified as Pathogenic.

ARUP Laboratories, Molecular Genetics and Genomics, ARUP Laboratories
Classification: Uncertain significance for Wilson disease. Last evaluated: 2018-08-27. Review status: criteria provided, single submitter. Criteria: ARUP Molecular Germline Variant Investigation Process. Collection method: clinical testing. Allele origin: germline.
Comment: The ATP7B c.2375T>C; p.Leu792Pro variant, to our knowledge, is not reported in the medical literature or gene specific databases. This variant is also absent from general population databases (Exome Variant Server, Genome Aggregation Database), indicating it is not a common polymorphism. The leucine at codon 792 is highly conserved, and computational analyses (SIFT, PolyPhen-2) predict that this variant is deleterious. However, due to limited information, the clinical significance of the p.Leu792Pro variant is uncertain at this time.

Literature cited by the submitters: PubMed 35220961 (cited by Labcorp Genetics (formerly Invitae), Labcorp); PubMed 35782615 (cited by Labcorp Genetics (formerly Invitae), Labcorp).